The following is an entry in ClinVar:

NM_130810.4(DNAAF4):c.1096A>G (p.Met366Val)

Genes: DNAAF4-CCPG1 (DNAAF4-CCPG1 readthrough (NMD candidate); minus strand), DNAAF4 (dynein axonemal assembly factor 4; minus strand). Cytogenetic location: 15q21.3.
Variant type: single nucleotide variant.
Coding change: c.1096A>G on transcript NM_130810.4 (MANE Select); coding-DNA position 1096, A replaced by G.
Protein change: p.Met366Val; replaces methionine 366 with valine.
Molecular consequence: missense variant. On other transcripts: non-coding transcript variant (1), intron variant (2).
Genome position (GRCh38, 1-based): chr15:55,432,554, T>C on the plus strand (A>G on the coding strand, the complement: DNAAF4 is on the minus strand). VCF-style: chr15-55432554-T-C. GRCh37 (hg19) VCF-style: chr15-55724752-T-C.
Other names: c.1047+2351A>G (NM_001033560.2); c.1048-1775A>G (NM_001033559.3); short protein forms M366V.
Identifiers: ClinVar variation 454957 (VCV000454957.8), dbSNP rs190788368, ClinGen allele CA7574823.

ClinVar aggregate classification (germline): Uncertain significance (1 of 4 stars; one submission).

Allele frequency attached by ClinVar (database versions not stated): gnomAD 0.00001 and 0.00003; TOPMed 0.00002; 1000 Genomes Project 0.00040; 1000 Genomes Project 30x 0.00062.

Submission:

Labcorp Genetics (formerly Invitae), Labcorp
Classification: Uncertain significance. Last evaluated: 2022-04-06. Review status: criteria provided, single submitter. Criteria: Invitae Variant Classification Sherloc (09022015). Collection method: clinical testing. Allele origin: germline.
Comment: This sequence change replaces methionine, which is neutral and non-polar, with valine, which is neutral and non-polar, at codon 366 of the DYX1C1 protein (p.Met366Val). This variant is present in population databases (rs190788368, gnomAD 0.04%). This variant has not been reported in the literature in individuals affected with DYX1C1-related conditions. ClinVar contains an entry for this variant (Variation ID: 454957). Algorithms developed to predict the effect of missense changes on protein structure and function (SIFT, PolyPhen-2, Align-GVGD) all suggest that this variant is likely to be tolerated. In summary, the available evidence is currently insufficient to determine the role of this variant in disease. Therefore, it has been classified as a Variant of Uncertain Significance.